The following is an entry in ClinVar:

ClinVar aggregate classification (germline): Uncertain significance (1 of 4 stars; one submission).

Submission:

Labcorp Genetics (formerly Invitae), Labcorp
Classification: Uncertain significance. Last evaluated: 2022-08-01. Review status: criteria provided, single submitter. Criteria: Invitae Variant Classification Sherloc (09022015). Collection method: clinical testing. Allele origin: germline.
Comment: In summary, the available evidence is currently insufficient to determine the role of this variant in disease. Therefore, it has been classified as a Variant of Uncertain Significance. Algorithms developed to predict the effect of missense changes on protein structure and function output the following: SIFT: "Not Available"; PolyPhen-2: "Benign"; Align-GVGD: "Not Available". The arginine amino acid residue is found in multiple mammalian species, which suggests that this missense change does not adversely affect protein function. This variant has not been reported in the literature in individuals affected with CEP250-related conditions. This variant is not present in population databases (gnomAD no frequency). This sequence change replaces glutamine, which is neutral and polar, with arginine, which is basic and polar, at codon 1093 of the CEP250 protein (p.Gln1093Arg).

NM_007186.6(CEP250):c.3278A>G (p.Gln1093Arg)

Gene: CEP250 (centrosomal protein 250; plus strand). Cytogenetic location: 20q11.22.
Variant type: single nucleotide variant.
Coding change: c.3278A>G on transcript NM_007186.6 (MANE Select); coding-DNA position 3278, A replaced by G.
Protein change: p.Gln1093Arg; replaces glutamine 1093 with arginine.
Molecular consequence: missense variant.
Genome position (GRCh38, 1-based): chr20:35,496,687, A>G. VCF-style: chr20-35496687-A-G. GRCh37 (hg19) VCF-style: chr20-34084516-A-G.
Other names: c.1382A>G, p.Gln461Arg (NM_001318219.1); short protein forms Q1093R, Q461R.
Identifiers: ClinVar variation 1965910 (VCV001965910.5), dbSNP rs2516115593, ClinGen allele CA408742731.